The following is an entry in ClinVar:

NM_007215.4(POLG2):c.364A>G (p.Arg122Gly)

Genes: MILR1 (mast cell immunoglobulin like receptor 1; plus strand), POLG2 (DNA polymerase gamma 2, accessory subunit; minus strand). Cytogenetic location: 17q23.3.
Variant type: single nucleotide variant.
Coding change: c.364A>G on transcript NM_007215.4 (MANE Select); coding-DNA position 364, A replaced by G.
Protein change: p.Arg122Gly; replaces arginine 122 with glycine.
Molecular consequence: missense variant.
Genome position (GRCh38, 1-based): chr17:64,496,605, T>C on the plus strand (A>G on the coding strand, the complement: POLG2 is on the minus strand). VCF-style: chr17-64496605-T-C. GRCh37 (hg19) VCF-style: chr17-62492723-T-C.
Other names: c.364A>G (NM_007215.3); short protein forms R122G.
Identifiers: ClinVar variation 1479992 (VCV001479992.9), dbSNP rs2144221602, ClinGen allele CA400641091.

ClinVar aggregate classification (germline): Uncertain significance. Review status: criteria provided, single submitter (1 of 4 stars). 2 submissions from 2 submitters: Uncertain significance (1). 1 of the submissions does not count toward it. Last evaluated 2022-09-13.

Conditions:
POLG2-related disorder. Also called: POLG2-related disorders; POLG2-related condition.

Submissions (2):

Labcorp Genetics (formerly Invitae), Labcorp
Classification: Uncertain significance. Last evaluated: 2022-09-13. Review status: criteria provided, single submitter. Criteria: Invitae Variant Classification Sherloc (09022015). Collection method: clinical testing. Allele origin: germline.
Comment: This variant has not been reported in the literature in individuals affected with POLG2-related conditions. In summary, the available evidence is currently insufficient to determine the role of this variant in disease. Therefore, it has been classified as a Variant of Uncertain Significance. Algorithms developed to predict the effect of missense changes on protein structure and function are either unavailable or do not agree on the potential impact of this missense change (SIFT: "Deleterious"; PolyPhen-2: "Benign"; Align-GVGD: "Class C0"). ClinVar contains an entry for this variant (Variation ID: 1479992). This variant is not present in population databases (gnomAD no frequency). This sequence change replaces arginine, which is basic and polar, with glycine, which is neutral and non-polar, at codon 122 of the POLG2 protein (p.Arg122Gly).

PreventionGenetics, part of Exact Sciences
Classification: Uncertain significance for POLG2-related condition. Last evaluated: 2024-09-07. Review status: no assertion criteria provided. Collection method: clinical testing. Allele origin: germline. Not counted in ClinVar's aggregate classification.
Comment: The POLG2 c.364A>G variant is predicted to result in the amino acid substitution p.Arg122Gly. To our knowledge, this variant has not been reported in the literature or in a large population database, indicating this variant is rare. At this time, the clinical significance of this variant is uncertain due to the absence of conclusive functional and genetic evidence.